The following is an entry in ClinVar:

ClinVar aggregate classification (germline): Uncertain significance. Review status: criteria provided, multiple submitters, no conflicts (2 of 4 stars). 2 submissions from 2 submitters: Uncertain significance (2). Last evaluated 2025-11-23.

Conditions:
Ehlers-Danlos syndrome, dermatosparaxis type. Also called: Ehlers-Danlos syndrome, type VII, autosomal recessive; EDS VIIC; Dermatosparaxis. Identifiers: Orphanet 1901, MedGen C2700425, MONDO:0009161, OMIM 225410.

Allele frequency attached by ClinVar (database versions not stated): gnomAD 0.00004 and 0.00005; ExAC 0.00006; gnomAD exomes 0.00007; TOPMed 0.00007; 1000 Genomes Project 30x 0.00031; 1000 Genomes Project 0.00040.
gnomAD v4.1: 36 of 1,614,182 alleles (0.0022%); highest among the groups gnomAD compares: East Asian, 0.033%; 1 homozygote.

Submissions (2):

Labcorp Genetics (formerly Invitae), Labcorp
Classification: Uncertain significance for Ehlers-Danlos syndrome, dermatosparaxis type. Last evaluated: 2025-11-23. Review status: criteria provided, single submitter. Criteria: Invitae Variant Classification Sherloc (09022015). Collection method: clinical testing. Allele origin: germline.
Comment: This sequence change replaces arginine, which is basic and polar, with histidine, which is basic and polar, at codon 344 of the ADAMTS2 protein (p.Arg344His). This variant is present in population databases (rs201162234, gnomAD 0.07%). This variant has not been reported in the literature in individuals affected with ADAMTS2-related conditions. ClinVar contains an entry for this variant (Variation ID: 905749). An algorithm developed to predict the effect of missense changes on protein structure and function outputs the following: PolyPhen-2: "Benign". The histidine amino acid residue is found in multiple mammalian species, which suggests that this missense change does not adversely affect protein function. In summary, the available evidence is currently insufficient to determine the role of this variant in disease. Therefore, it has been classified as a Variant of Uncertain Significance.

Illumina Laboratory Services, Illumina
Classification: Uncertain significance for Ehlers-Danlos syndrome, dermatosparaxis type. Last evaluated: 2017-04-27. Review status: criteria provided, single submitter. Criteria: ICSL Variant Classification Criteria 13 December 2019. Collection method: clinical testing. Allele origin: germline.

NM_014244.5(ADAMTS2):c.1031G>A (p.Arg344His)

Gene: ADAMTS2 (ADAM metallopeptidase with thrombospondin type 1 motif 2; minus strand). Cytogenetic location: 5q35.3.
Variant type: single nucleotide variant.
Coding change: c.1031G>A on transcript NM_014244.5 (MANE Select); coding-DNA position 1031, G replaced by A.
Protein change: p.Arg344His; replaces arginine 344 with histidine.
Molecular consequence: missense variant.
Genome position (GRCh38, 1-based): chr5:179,158,824, C>T on the plus strand (G>A on the coding strand, the complement: ADAMTS2 is on the minus strand). VCF-style: chr5-179158824-C-T. GRCh37 (hg19) VCF-style: chr5-178585825-C-T.
Other names: c.1031G>A, p.Arg344His (NM_021599.4); short protein forms R344H.
Identifiers: ClinVar variation 905749 (VCV000905749.6), dbSNP rs201162234, ClinGen allele CA3596057.